The following is an entry in ClinVar:

ClinVar aggregate classification (germline): Uncertain significance (1 of 4 stars; one submission).

Conditions:
NRP2-related disorder. Also called: NRP2-related condition.

Submission:

PreventionGenetics, part of Exact Sciences
Classification: Uncertain significance for NRP2-related condition. Last evaluated: 2025-06-25. Review status: criteria provided, single submitter. Criteria: ACMG Guidelines, 2015. Collection method: clinical testing. Allele origin: germline.
Comment: The NRP2 c.30C>G variant is predicted to result in the amino acid substitution p.Phe10Leu. To our knowledge, this variant has not been reported in the literature or in a large population database, indicating this variant is rare. At this time, the clinical significance of this variant is uncertain due to the absence of conclusive functional and genetic evidence.

NM_003872.3(NRP2):c.30C>G (p.Phe10Leu)

Gene: NRP2 (neuropilin 2; plus strand). Cytogenetic location: 2q33.3.
Variant type: single nucleotide variant.
Coding change: c.30C>G on transcript NM_003872.3 (MANE Select); coding-DNA position 30, C replaced by G.
Protein change: p.Phe10Leu; replaces phenylalanine 10 with leucine.
Molecular consequence: missense variant.
Genome position (GRCh38, 1-based): chr2:205,683,320, C>G. VCF-style: chr2-205683320-C-G. GRCh37 (hg19) VCF-style: chr2-206548044-C-G.
Other names: c.30C>G, p.Phe10Leu (NM_018534.4, NM_201264.2, NM_201266.2 and 2 more transcripts); short protein forms F10L.
Identifiers: ClinVar variation 4982143 (VCV004982143.1).